The following is an entry in ClinVar:

ClinVar aggregate classification (germline): Benign (1 of 4 stars; one submission).

Allele frequency attached by ClinVar (database versions not stated): 1000 Genomes Project 30x 0.13991; 1000 Genomes Project 0.14077; TOPMed 0.16119; gnomAD 0.16141 and 0.16284.

Submission:

GeneDx
Classification: Benign. Last evaluated: 2018-06-14. Review status: criteria provided, single submitter. Criteria: GeneDx Variant Classification (06012015). Collection method: clinical testing. Allele origin: germline. Affected: yes.
Comment: This variant is considered likely benign or benign based on one or more of the following criteria: it is a conservative change, it occurs at a poorly conserved position in the protein, it is predicted to be benign by multiple in silico algorithms, and/or has population frequency not consistent with disease.

NM_001854.4(COL11A1):c.2556+293del

Gene: COL11A1 (collagen type XI alpha 1 chain; minus strand). Cytogenetic location: 1p21.1.
Variant type: Deletion.
Coding change: c.2556+293del on transcript NM_001854.4 (MANE Select); 293 bases into the intron after coding-DNA position 2556, one base deleted (G; older notation c.2556+293delG).
Molecular consequence: intron variant.
Genome position (GRCh38, 1-based): chr1:102,983,845, C deleted on the plus strand (G on the coding strand, the reverse complement: COL11A1 is on the minus strand). VCF-style (leftmost placement, unchanged base first): chr1-102983844-TC-T. GRCh37 (hg19) VCF-style: chr1-103449400-TC-T.
Other names: c.2439+293del (NM_001190709.2); c.2592+293del (NM_080629.3); c.2208+293del (NM_080630.4).
Identifiers: ClinVar variation 681283 (VCV000681283.1), dbSNP rs76843235, ClinGen allele CA27704766.